The following is an entry in ClinVar:

NM_006361.6(HOXB13):c.662_668del (p.Ile221fs)

Gene: HOXB13 (homeobox B13; minus strand). Cytogenetic location: 17q21.32.
Variant type: Deletion.
Coding change: c.662_668del on transcript NM_006361.6 (MANE Select); coding-DNA positions 662 to 668, 7 bases deleted (TTCCGTA; older notation c.662_668delTTCCGTA).
Protein change: p.Ile221fs; shifts the reading frame from isoleucine 221.
Molecular consequence: frameshift variant.
Genome position (GRCh38, 1-based): chr17:48,726,977-48,726,983, TACGGAA deleted on the plus strand (TTCCGTA on the coding strand, the reverse complement: HOXB13 is on the minus strand); deleting any 7 consecutive bases within chr17:48,726,977-48,726,984 gives the same sequence; the c. name uses the placement nearest the transcript's 3' end. VCF-style (leftmost placement, unchanged base first): chr17-48726976-GTACGGAA-G. GRCh37 (hg19) VCF-style: chr17-46804338-GTACGGAA-G.
Other names: short protein forms I221fs.
Identifiers: ClinVar variation 826514 (VCV000826514.9), dbSNP rs1597932849, ClinGen allele CA915950278.

ClinVar aggregate classification (germline): Uncertain significance. Review status: criteria provided, multiple submitters, no conflicts (2 of 4 stars). 2 submissions from 2 submitters: Uncertain significance (2). Last evaluated 2026-07-31.

Conditions:
Hereditary cancer-predisposing syndrome. Also called: Tumor predisposition; Hereditary neoplastic syndrome; Neoplastic Syndromes, Hereditary; Hereditary Cancer Syndrome. Identifiers: Orphanet 140162, MedGen C0027672, MeSH D009386, MONDO:0015356.

Submissions (2):

Ambry Genetics
Classification: Uncertain significance for Hereditary cancer-predisposing syndrome. Last evaluated: 2026-07-31. Review status: criteria provided, single submitter. Criteria: Ambry Variant Classification Scheme 2023. Collection method: clinical testing. Allele origin: germline.
Comment: The c.662_668delTTCCGTA variant, located in coding exon 2 of the HOXB13 gene, results from a deletion of 7 nucleotides at nucleotide positions 662 to 668, causing a translational frameshift with a predicted alternate stop codon (p.I221Tfs*56). This variant occurs at the 3' terminus of the gene and is not expected to trigger nonsense-mediated mRNA decay. Based on the available evidence, the clinical significance of this variant remains unclear.

Labcorp Genetics (formerly Invitae), Labcorp
Classification: Uncertain significance. Last evaluated: 2023-05-25. Review status: criteria provided, single submitter. Criteria: Invitae Variant Classification Sherloc (09022015). Collection method: clinical testing. Allele origin: germline.
Comment: In summary, the available evidence is currently insufficient to determine the role of this variant in disease. Therefore, it has been classified as a Variant of Uncertain Significance. Experimental studies and prediction algorithms are not available or were not evaluated, and the functional significance of this variant is currently unknown. ClinVar contains an entry for this variant (Variation ID: 826514). This variant has not been reported in the literature in individuals affected with HOXB13-related conditions. This variant is not present in population databases (gnomAD no frequency). This sequence change creates a premature translational stop signal (p.Ile221Thrfs*56) in the HOXB13 gene. While this is not anticipated to result in nonsense mediated decay, it is expected to disrupt the last 64 amino acid(s) of the HOXB13 protein.